The following is an entry in ClinVar:

ClinVar aggregate classification (germline): Uncertain significance (1 of 4 stars; one submission).

Conditions:
Hereditary cancer-predisposing syndrome. Also called: Neoplastic Syndromes, Hereditary; Tumor predisposition; Hereditary neoplastic syndrome; Hereditary Cancer Syndrome. Identifiers: Orphanet 140162, MedGen C0027672, MeSH D009386, MONDO:0015356.

Submission:

Ambry Genetics
Classification: Uncertain significance for Hereditary cancer-predisposing syndrome. Last evaluated: 2019-10-29. Review status: criteria provided, single submitter. Criteria: Ambry Variant Classification Scheme 2023. Collection method: clinical testing. Allele origin: germline.
Comment: The p.E2516G variant (also known as c.7547A>G), located in coding exon 15 of the APC gene, results from an A to G substitution at nucleotide position 7547. The glutamic acid at codon 2516 is replaced by glycine, an amino acid with similar properties. This amino acid position is highly conserved in available vertebrate species. In addition, in silico predictors for this gene do not accurately predict pathogenicity. Since supporting evidence is limited at this time, the clinical significance of this alteration remains unclear.

NM_000038.6(APC):c.7547A>G (p.Glu2516Gly)

Gene: APC (APC regulator of Wnt signaling pathway; plus strand). Cytogenetic location: 5q22.2.
Variant type: single nucleotide variant.
Coding change: c.7547A>G on transcript NM_000038.6 (MANE Select); coding-DNA position 7547, A replaced by G.
Protein change: p.Glu2516Gly; replaces glutamic acid 2516 with glycine.
Molecular consequence: missense variant.
Genome position (GRCh38, 1-based): chr5:112,843,141, A>G. VCF-style: chr5-112843141-A-G. GRCh37 (hg19) VCF-style: chr5-112178838-A-G.
Other names: c.7547A>G, p.Glu2516Gly (NM_001127510.3, NM_001354895.2); c.7493A>G, p.Glu2498Gly (NM_001127511.3); c.7601A>G, p.Glu2534Gly (NM_001354896.2); c.7577A>G, p.Glu2526Gly (NM_001354897.2); c.7472A>G, p.Glu2491Gly (NM_001354898.2); c.7463A>G, p.Glu2488Gly (NM_001354899.2); c.7424A>G, p.Glu2475Gly (NM_001354900.2); c.7370A>G, p.Glu2457Gly (NM_001354901.2); and 5 more; short protein forms E2356G, E2457G, E2475G, E2488G, E2516G, E2526G, E2534G, E2390G.
Identifiers: ClinVar variation 827112 (VCV000827112.4), dbSNP rs1580683949, ClinGen allele CA16037734.